The following is an entry in ClinVar:

NM_006506.5(RASA2):c.1138G>A (p.Ala380Thr)

Gene: RASA2 (RAS p21 protein activator 2; plus strand). Cytogenetic location: 3q23.
Variant type: single nucleotide variant.
Coding change: c.1138G>A on transcript NM_006506.5 (MANE Select); coding-DNA position 1138, G replaced by A.
Protein change: p.Ala380Thr; replaces alanine 380 with threonine.
Molecular consequence: missense variant.
Genome position (GRCh38, 1-based): chr3:141,571,523, G>A. VCF-style: chr3-141571523-G-A. GRCh37 (hg19) VCF-style: chr3-141290365-G-A.
Other names: c.1138G>A, p.Ala380Thr (NM_001303245.3, NM_001303246.3); short protein forms A380T.
Identifiers: ClinVar variation 2632050 (VCV002632050.1), dbSNP rs1344227897, ClinGen allele CA354776267.

ClinVar aggregate classification (germline): Uncertain significance (1 of 4 stars; one submission).

Conditions:
RASA2-related disorder. Also called: RASA2-related condition.

Allele frequency attached by ClinVar (database versions not stated): gnomAD exomes below 0.00001.
gnomAD v4.1: 4 of 1,612,712 alleles (0.00025%); highest among the groups gnomAD compares: Admixed American, 0.0017%; no homozygotes.

Submission:

PreventionGenetics, part of Exact Sciences
Classification: Uncertain significance for RASA2-related condition. Last evaluated: 2022-11-10. Review status: criteria provided, single submitter. Criteria: ACMG Guidelines, 2015. Collection method: clinical testing. Allele origin: germline.
Comment: The RASA2 c.1138G>A variant is predicted to result in the amino acid substitution p.Ala380Thr. To our knowledge, this variant has not been reported in the literature or in a large population database, indicating this variant is rare. At this time, the clinical significance of this variant is uncertain due to the absence of conclusive functional and genetic evidence.